The following is an entry in ClinVar:

ClinVar aggregate classification (germline): Uncertain significance. Review status: criteria provided, multiple submitters, no conflicts (2 of 4 stars). 2 submissions from 2 submitters: Uncertain significance (2). Last evaluated 2025-11-17.

Conditions:
WRN-related disorder. Also called: WRN-related condition.
Werner syndrome (WRN). Identifiers: Orphanet 902, MedGen C0043119, MONDO:0010196, OMIM 277700.

Allele frequency attached by ClinVar (database versions not stated): TOPMed below 0.00001.

Submissions (2):

Labcorp Genetics (formerly Invitae), Labcorp
Classification: Uncertain significance for Werner syndrome. Last evaluated: 2025-11-17. Review status: criteria provided, single submitter. Criteria: Invitae Variant Classification Sherloc (09022015). Collection method: clinical testing. Allele origin: germline.
Comment: This sequence change replaces isoleucine, which is neutral and non-polar, with valine, which is neutral and non-polar, at codon 806 of the WRN protein (p.Ile806Val). This variant is not present in population databases (gnomAD no frequency). This variant has not been reported in the literature in individuals affected with WRN-related conditions. ClinVar contains an entry for this variant (Variation ID: 653132). An algorithm developed to predict the effect of missense changes on protein structure and function outputs the following: PolyPhen-2: "Benign". The valine amino acid residue is found in multiple mammalian species, which suggests that this missense change does not adversely affect protein function. In summary, the available evidence is currently insufficient to determine the role of this variant in disease. Therefore, it has been classified as a Variant of Uncertain Significance.

PreventionGenetics, part of Exact Sciences
Classification: Uncertain significance for WRN-related condition. Last evaluated: 2022-09-23. Review status: criteria provided, single submitter. Criteria: ACMG Guidelines, 2015. Collection method: clinical testing. Allele origin: germline.
Comment: The WRN c.2416A>G variant is predicted to result in the amino acid substitution p.Ile806Val. To our knowledge, this variant has not been reported in the literature or in a large population database, indicating this variant is rare. This variant is reported as a variant of uncertain significance in ClinVar. At this time, the clinical significance of this variant is uncertain due to the absence of conclusive functional and genetic evidence.

NM_000553.6(WRN):c.2416A>G (p.Ile806Val)

Gene: WRN (WRN RecQ like helicase; plus strand). Cytogenetic location: 8p12.
Variant type: single nucleotide variant.
Coding change: c.2416A>G on transcript NM_000553.6 (MANE Select); coding-DNA position 2416, A replaced by G.
Protein change: p.Ile806Val; replaces isoleucine 806 with valine.
Molecular consequence: missense variant.
Genome position (GRCh38, 1-based): chr8:31,116,496, A>G. VCF-style: chr8-31116496-A-G. GRCh37 (hg19) VCF-style: chr8-30974012-A-G.
Other names: short protein forms I806V.
Identifiers: ClinVar variation 653132 (VCV000653132.6), dbSNP rs200935416, ClinGen allele CA174880244.